The following is an entry in ClinVar:

NM_020376.4(PNPLA2):c.385A>G (p.Ile129Val)

Gene: PNPLA2 (patatin like domain 2, triacylglycerol lipase; plus strand). Cytogenetic location: 11p15.5.
Variant type: single nucleotide variant.
Coding change: c.385A>G on transcript NM_020376.4 (MANE Select); coding-DNA position 385, A replaced by G.
Protein change: p.Ile129Val; replaces isoleucine 129 with valine.
Molecular consequence: missense variant.
Genome position (GRCh38, 1-based): chr11:821,825, A>G. VCF-style: chr11-821825-A-G. GRCh37 (hg19) VCF-style: chr11-821825-A-G.
Other names: short protein forms I129V.
Identifiers: ClinVar variation 1378523 (VCV001378523.8), dbSNP rs2133847263, ClinGen allele CA378978507.
Genomic context (GRCh38, chr11:821,825, plus strand): 5'-CATGCCAGTGGGCGCCTGGGCATCTCCCTGACCCGCGTGTCAGACGGCGAGAATGTCATT[A>G]TATCCCACTTCAACTCCAAGGACGAGCTCATCCAGGTGGGGCCTGGTGGAGCCATGCTGG-3'
Protein context (NP_065109.1, residues 119-139): TRVSDGENVI[Ile129Val]SHFNSKDELI

ClinVar aggregate classification (germline): Uncertain significance (1 of 4 stars; one submission).

Conditions:
Neutral lipid storage myopathy (NLSDM). Also called: NEUTRAL LIPID STORAGE DISEASE WITHOUT ICHTHYOSIS. Identifiers: Orphanet 98908, MedGen C1853136, MONDO:0012545, OMIM 610717.

Submission:

Labcorp Genetics (formerly Invitae), Labcorp
Classification: Uncertain significance for Neutral lipid storage myopathy. Last evaluated: 2022-06-20. Review status: criteria provided, single submitter. Criteria: Invitae Variant Classification Sherloc (09022015). Collection method: clinical testing. Allele origin: germline.
Comment: This variant is not present in population databases (gnomAD no frequency). This variant has not been reported in the literature in individuals affected with PNPLA2-related conditions. Algorithms developed to predict the effect of missense changes on protein structure and function (SIFT, PolyPhen-2, Align-GVGD) all suggest that this variant is likely to be tolerated. In summary, the available evidence is currently insufficient to determine the role of this variant in disease. Therefore, it has been classified as a Variant of Uncertain Significance. This sequence change replaces isoleucine, which is neutral and non-polar, with valine, which is neutral and non-polar, at codon 129 of the PNPLA2 protein (p.Ile129Val).